The following is an entry in ClinVar:

NM_001267550.2(TTN):c.5982G>A (p.Ser1994=)

Gene: TTN (titin; minus strand). Cytogenetic location: 2q31.2.
Variant type: single nucleotide variant.
Coding change: c.5982G>A on transcript NM_001267550.2 (MANE Select); coding-DNA position 5982, G replaced by A.
Protein change: p.Ser1994=; no amino-acid change (serine 1994 retained).
Molecular consequence: synonymous variant.
Genome position (GRCh38, 1-based): chr2:178,775,882, C>T on the plus strand (G>A on the coding strand, the complement: TTN is on the minus strand). VCF-style: chr2-178775882-C-T. GRCh37 (hg19) VCF-style: chr2-179640609-C-T.
Other names: c.5844G>A, p.Ser1948= (NM_003319.4, NM_133432.3, NM_133437.4); c.5982G>A, p.Ser1994= (NM_133378.4, NM_133379.5, NM_001256850.1).
Identifiers: ClinVar variation 515687 (VCV000515687.41), dbSNP rs573823772, ClinGen allele CA2005118.

ClinVar aggregate classification (germline): Likely benign. Review status: criteria provided, multiple submitters, no conflicts (2 of 4 stars). 9 submissions from 9 submitters: Likely benign (9). Last evaluated 2026-01-19.

Conditions:
Dilated cardiomyopathy 1G (CMD1G). Identifiers: Orphanet 154, MedGen C1858763, MONDO:0011400, OMIM 604145.
Autosomal recessive limb-girdle muscular dystrophy type 2J (LGMDR10). Also called: MUSCULAR DYSTROPHY, LIMB-GIRDLE, AUTOSOMAL RECESSIVE 10; Limb-girdle muscular dystrophy, type 2J. Identifiers: Orphanet 140922, MedGen C1837342, MONDO:0012127, OMIM 608807.
Cardiovascular phenotype. Identifiers: MedGen CN230736.
TTN-related disorder. Also called: TTN-related condition; TTN-related disease; TTN-related disorders.
Cardiomyopathy (CMYO). Also called: Cardiomyopathies. Identifiers: Orphanet 167848, MedGen C0878544, MONDO:0004994, HP:0001638. Inheritance: Various modes of inheritance.

Allele frequency attached by ClinVar (database versions not stated): gnomAD 0.00004; gnomAD exomes 0.00005; TOPMed 0.00005; ExAC 0.00008; 1000 Genomes Project 30x 0.00016; 1000 Genomes Project 0.00020.
gnomAD v4.1: 51 of 1,614,100 alleles (0.0032%); highest among the groups gnomAD compares: Admixed American, 0.012%; no homozygotes.

Submissions (9):

Labcorp Genetics (formerly Invitae), Labcorp
Classification: Likely benign for Dilated cardiomyopathy 1G; Autosomal recessive limb-girdle muscular dystrophy type 2J. Last evaluated: 2026-01-19. Review status: criteria provided, single submitter. Criteria: Invitae Variant Classification Sherloc (09022015). Collection method: clinical testing. Allele origin: germline.

CeGaT Center for Human Genetics Tuebingen
Classification: Likely benign. Last evaluated: 2025-11-01. Review status: criteria provided, single submitter. Criteria: CeGaT Center For Human Genetics Tuebingen Variant Classification Criteria Version 2. Collection method: clinical testing. Allele origin: germline. Affected: yes. Observed: 1 variant allele.
Comment: TTN: BP4, BP7

PreventionGenetics, part of Exact Sciences
Classification: Likely benign for TTN-related condition. Last evaluated: 2025-09-20. Review status: criteria provided, single submitter. Criteria: ACMG Guidelines, 2015. Collection method: clinical testing. Allele origin: germline.
Comment: This variant is classified as likely benign based on ACMG/AMP sequence variant interpretation guidelines (Richards et al. 2015 PMID: 25741868, with internal and published modifications).

Molecular Diagnostic Laboratory for Inherited Cardiovascular Disease, Montreal Heart Institute
Classification: Likely benign. Last evaluated: 2025-04-09. Review status: criteria provided, single submitter. Criteria: ACMG Guidelines, 2015. Collection method: clinical testing. Allele origin: germline. Affected: no.
Comment: BP6;BP7

Women's Health and Genetics/Laboratory Corporation of America, LabCorp
Classification: Likely benign. Last evaluated: 2023-08-19. Review status: criteria provided, single submitter. Criteria: LabCorp Variant Classification Summary - May 2015. Collection method: clinical testing. Allele origin: germline.

Ambry Genetics
Classification: Likely benign for Cardiovascular phenotype. Last evaluated: 2021-06-04. Review status: criteria provided, single submitter. Criteria: Ambry Variant Classification Scheme 2023. Collection method: clinical testing. Allele origin: germline.

Blueprint Genetics
Classification: Likely benign. Last evaluated: 2021-05-25. Review status: criteria provided, single submitter. Criteria: ACMG Guidelines, 2015. Collection method: clinical testing. Allele origin: germline.

CHEO Genetics Diagnostic Laboratory, Children's Hospital of Eastern Ontario
Classification: Likely benign for Cardiomyopathy. Last evaluated: 2018-11-12. Review status: criteria provided, single submitter. Criteria: ACMG Guidelines, 2015. Collection method: clinical testing. Allele origin: germline.

GeneDx
Classification: Likely benign. Last evaluated: 2018-02-21. Review status: criteria provided, single submitter. Criteria: GeneDx Variant Classification (06012015). Collection method: clinical testing. Allele origin: germline. Affected: yes.
Comment: This variant is considered likely benign or benign based on one or more of the following criteria: it is a conservative change, it occurs at a poorly conserved position in the protein, it is predicted to be benign by multiple in silico algorithms, and/or has population frequency not consistent with disease.